The following is an entry in ClinVar:

NM_001211.6(BUB1B):c.3074C>A (p.Thr1025Asn)

Genes: BUB1B (BUB1 mitotic checkpoint serine/threonine kinase B; plus strand), BUB1B-PAK6 (BUB1B-PAK6 readthrough; plus strand). Cytogenetic location: 15q15.1.
Variant type: single nucleotide variant.
Coding change: c.3074C>A on transcript NM_001211.6 (MANE Select); coding-DNA position 3074, C replaced by A.
Protein change: p.Thr1025Asn; replaces threonine 1025 with asparagine.
Molecular consequence: missense variant. On other transcripts: intron variant (2).
Genome position (GRCh38, 1-based): chr15:40,220,680, C>A. VCF-style: chr15-40220680-C-A. GRCh37 (hg19) VCF-style: chr15-40512881-C-A.
Other names: c.-201+3013C>A (NM_001128628.3); c.-118+3013C>A (NM_001128629.3); short protein forms T1025N.
Identifiers: ClinVar variation 652908 (VCV000652908.10), dbSNP rs770219125, ClinGen allele CA391690173.

ClinVar aggregate classification (germline): Uncertain significance (1 of 4 stars; one submission).

Conditions:
Mosaic variegated aneuploidy syndrome 1 (MVA1). Also called: Warburton-Anyane-Yeboa syndrome. Identifiers: Orphanet 1052, MedGen C1850343, MONDO:0009759, OMIM 257300.

Submission:

Labcorp Genetics (formerly Invitae), Labcorp
Classification: Uncertain significance for Mosaic variegated aneuploidy syndrome 1. Last evaluated: 2018-11-07. Review status: criteria provided, single submitter. Criteria: Invitae Variant Classification Sherloc (09022015). Collection method: clinical testing. Allele origin: germline.
Comment: In summary, the available evidence is currently insufficient to determine the role of this variant in disease. Therefore, it has been classified as a Variant of Uncertain Significance. Algorithms developed to predict the effect of missense changes on protein structure and function (SIFT, PolyPhen-2, Align-GVGD) all suggest that this variant is likely to be tolerated, but these predictions have not been confirmed by published functional studies and their clinical significance is uncertain. This variant has not been reported in the literature in individuals with BUB1B-related disease. This variant is not present in population databases (ExAC no frequency). This sequence change replaces threonine with asparagine at codon 1025 of the BUB1B protein (p.Thr1025Asn). The threonine residue is weakly conserved and there is a small physicochemical difference between threonine and asparagine.